The following is an entry in ClinVar:

ClinVar aggregate classification (germline): Uncertain significance (1 of 4 stars; one submission).

Conditions:
Primary dilated cardiomyopathy (DCM). Also called: Dilated Cardiomyopathy. Identifiers: Orphanet 217604, MedGen C0007193, MeSH D002311, MONDO:0005021, HP:0001644. Inheritance: Various modes of inheritance.
Hypertrophic cardiomyopathy. Also called: HYPERTROPHIC MYOCARDIOPATHY. Identifiers: Orphanet 217569, MedGen C0007194, MeSH D002312, MONDO:0005045, HP:0001639.

Submission:

Labcorp Genetics (formerly Invitae), Labcorp
Classification: Uncertain significance for Hypertrophic cardiomyopathy; Primary dilated cardiomyopathy. Last evaluated: 2017-01-20. Review status: criteria provided, single submitter. Criteria: Invitae Variant Classification Sherloc (09022015). Collection method: clinical testing. Allele origin: germline.
Comment: This copy number variant is a gain (4 copies) of the genomic region encompassing exons 4-8 of the PDLIM3 gene. The 5' boundary is likely confined to intron 3. The 3' end of this event is unknown as it extends beyond the assayed region for this gene and therefore may encompass additional genes. This variant has not been reported in the literature in individuals with a PDLIM3-related disease. In summary, the exact genomic location of this variant is unknown and the impact of this copy number gain on PDLIM3 protein function has not been established. Therefore, it has been classified as a Variant of Uncertain Significance.

NC_000004.11:g.(?_186064507)_(186436064_?)dup

Genes: UFSP2 (UFM1 specific peptidase 2; minus strand), LRP2BP (LRP2 binding protein; minus strand), PDLIM3 (PDZ and LIM domain 3; minus strand), CCDC110 (coiled-coil domain containing 110; minus strand), CFAP96 (cilia and flagella associated protein 96; plus strand) and 4 more. Cytogenetic location: 4q35.1.
Variant type: Duplication.
Identifiers: ClinVar variation 454473 (VCV000454473.1).